The following is an entry in ClinVar:

ClinVar aggregate classification (germline): Uncertain significance (1 of 4 stars; one submission).

Allele frequency attached by ClinVar (database versions not stated): TOPMed below 0.00001; gnomAD 0.00001.
gnomAD v4.1: 1 of 1,613,970 alleles (0.000062%); highest among the groups gnomAD compares: Non-Finnish European, 0.000085%; no homozygotes.

Submission:

Labcorp Genetics (formerly Invitae), Labcorp
Classification: Uncertain significance. Last evaluated: 2022-08-23. Review status: criteria provided, single submitter. Criteria: Invitae Variant Classification Sherloc (09022015). Collection method: clinical testing. Allele origin: germline.
Comment: In summary, the available evidence is currently insufficient to determine the role of this variant in disease. Therefore, it has been classified as a Variant of Uncertain Significance. Algorithms developed to predict the effect of missense changes on protein structure and function are either unavailable or do not agree on the potential impact of this missense change (SIFT: "Tolerated"; PolyPhen-2: "Possibly Damaging"; Align-GVGD: "Class C0"). This variant has not been reported in the literature in individuals affected with LAMA1-related conditions. This variant is not present in population databases (gnomAD no frequency). This sequence change replaces valine, which is neutral and non-polar, with alanine, which is neutral and non-polar, at codon 2265 of the LAMA1 protein (p.Val2265Ala).

NM_005559.4(LAMA1):c.6794T>C (p.Val2265Ala)

Gene: LAMA1 (laminin subunit alpha 1; minus strand). Cytogenetic location: 18p11.31.
Variant type: single nucleotide variant.
Coding change: c.6794T>C on transcript NM_005559.4 (MANE Select); coding-DNA position 6794, T replaced by C.
Protein change: p.Val2265Ala; replaces valine 2265 with alanine.
Molecular consequence: missense variant.
Genome position (GRCh38, 1-based): chr18:6,971,962, A>G on the plus strand (T>C on the coding strand, the complement: LAMA1 is on the minus strand). VCF-style: chr18-6971962-A-G. GRCh37 (hg19) VCF-style: chr18-6971961-A-G.
Other names: short protein forms V2265A.
Identifiers: ClinVar variation 1995753 (VCV001995753.4), dbSNP rs1218706442, ClinGen allele CA401828261.